The following is an entry in ClinVar:

ClinVar aggregate classification (germline): Uncertain significance (1 of 4 stars; one submission).

Conditions:
Cholestanol storage disease (CTX). Also called: CEREBRAL CHOLESTERINOSIS; Cerebrotendinous Xanthomatosis; CTX: Cerebrotendinous xanthomatosis. Identifiers: Orphanet 909, MedGen C0238052, MONDO:0008948, OMIM 213700.

Submission:

Labcorp Genetics (formerly Invitae), Labcorp
Classification: Uncertain significance for Cholestanol storage disease. Last evaluated: 2022-06-08. Review status: criteria provided, single submitter. Criteria: Invitae Variant Classification Sherloc (09022015). Collection method: clinical testing. Allele origin: germline.
Comment: This sequence change falls in intron 7 of the CYP27A1 gene. It does not directly change the encoded amino acid sequence of the CYP27A1 protein. It affects a nucleotide within the consensus splice site. This variant is present in population databases (no rsID available, gnomAD 0.003%). This variant has not been reported in the literature in individuals affected with CYP27A1-related conditions. Variants that disrupt the consensus splice site are a relatively common cause of aberrant splicing (PMID: 17576681, 9536098). Algorithms developed to predict the effect of sequence changes on RNA splicing suggest that this variant may disrupt the consensus splice site. This variant disrupts the c.1263+5G nucleotide in the CYP27A1 gene. Other variant(s) that disrupt this nucleotide have been determined to be pathogenic (PMID: 9392430). This suggests that this nucleotide is clinically significant, and that variants that disrupt this position are likely to be disease-causing. In summary, the available evidence is currently insufficient to determine the role of this variant in disease. Therefore, it has been classified as a Variant of Uncertain Significance.

Literature cited by the submitters: PubMed 17576681; PubMed 9536098; PubMed 9392430.

NM_000784.4(CYP27A1):c.1263+5G>A

Gene: CYP27A1 (cytochrome P450 family 27 subfamily A member 1; plus strand). Cytogenetic location: 2q35.
Variant type: single nucleotide variant.
Coding change: c.1263+5G>A on transcript NM_000784.4 (MANE Select); 5 bases into the intron after coding-DNA position 1263, G replaced by A.
Molecular consequence: intron variant.
Genome position (GRCh38, 1-based): chr2:218,814,463, G>A. VCF-style: chr2-218814463-G-A. GRCh37 (hg19) VCF-style: chr2-219679186-G-A.
Identifiers: ClinVar variation 1951417 (VCV001951417.2), dbSNP rs587778784, ClinGen allele CA539840542.